The following is an entry in ClinVar:

NM_005592.4(MUSK):c.1804C>T (p.Pro602Ser)

Gene: MUSK (muscle associated receptor tyrosine kinase; plus strand). Cytogenetic location: 9q31.3.
Variant type: single nucleotide variant.
Coding change: c.1804C>T on transcript NM_005592.4 (MANE Select); coding-DNA position 1804, C replaced by T.
Protein change: p.Pro602Ser; replaces proline 602 with serine.
Molecular consequence: missense variant.
Genome position (GRCh38, 1-based): chr9:110,787,715, C>T. VCF-style: chr9-110787715-C-T. GRCh37 (hg19) VCF-style: chr9-113549995-C-T.
Other names: c.1546C>T, p.Pro516Ser (NM_001166280.2); c.1516C>T, p.Pro506Ser (NM_001166281.2); c.544C>T, p.Pro182Ser (NM_001369398.1); short protein forms P602S, P506S, P516S, P182S.
Identifiers: ClinVar variation 964272 (VCV000964272.7), dbSNP rs565780053, ClinGen allele CA5184478.
Genomic context (GRCh38, chr9:110,787,715, plus strand): 5'-TCTTTGGTTTCTTTTTCAATAAATGTATCTCTCAGGGCACCAGGCTTACTTCCCTATGAA[C>T]CTTTCACTATGGTGGCAGTAAAGATGCTCAAAGAAGAAGCCTCGGCAGATATGCAAGCGG-3'
Protein context (NP_005583.1, residues 592-612): ARAPGLLPYE[Pro602Ser]FTMVAVKMLK

ClinVar aggregate classification (germline): Uncertain significance (1 of 4 stars; one submission).

Conditions:
Congenital myasthenic syndrome 9. Also called: Myasthenic syndrome, congenital, 9, associated with acetylcholine receptor deficiency. Identifiers: Orphanet 590, MedGen C4225368, MONDO:0014587, OMIM 616325.
Fetal akinesia deformation sequence 1 (FADS1). Also called: Fetal akinesia sequence; Pena-Shokeir syndrome type I. Identifiers: Orphanet 994, MedGen C1276035, MONDO:0100101, OMIM 208150, HP:0001989.

Allele frequency attached by ClinVar (database versions not stated): gnomAD below 0.00001 and 0.00002; ExAC 0.00001; gnomAD exomes 0.00001; TOPMed 0.00001; 1000 Genomes Project 0.00020; 1000 Genomes Project 30x 0.00031.
gnomAD v4.1: 18 of 1,613,886 alleles (0.0011%); highest among the groups gnomAD compares: South Asian, 0.012%; no homozygotes.

Submission:

Labcorp Genetics (formerly Invitae), Labcorp
Classification: Uncertain significance for Congenital myasthenic syndrome 9; Fetal akinesia deformation sequence 1. Last evaluated: 2021-08-31. Review status: criteria provided, single submitter. Criteria: Invitae Variant Classification Sherloc (09022015). Collection method: clinical testing. Allele origin: germline.
Comment: This sequence change replaces proline with serine at codon 602 of the MUSK protein (p.Pro602Ser). The proline residue is highly conserved and there is a moderate physicochemical difference between proline and serine. This variant is present in population databases (rs565780053, ExAC 0.006%). This variant has not been reported in the literature in individuals affected with MUSK-related conditions. Algorithms developed to predict the effect of missense changes on protein structure and function (SIFT, PolyPhen-2, Align-GVGD) all suggest that this variant is likely to be tolerated. In summary, the available evidence is currently insufficient to determine the role of this variant in disease. Therefore, it has been classified as a Variant of Uncertain Significance.